The following is an entry in ClinVar:

ClinVar aggregate classification (germline): Pathogenic/Likely pathogenic. Review status: criteria provided, multiple submitters, no conflicts (2 of 4 stars). 2 submissions from 2 submitters: Pathogenic (1); Likely pathogenic (1). Last evaluated 2025-12-29.

Conditions:
Microcephaly 2, primary, autosomal recessive, with or without cortical malformations. Also called: MICROCEPHALY 2, PRIMARY, AUTOSOMAL RECESSIVE, WITH CORTICAL MALFORMATIONS; WDR62 Primary Microcephaly. Identifiers: Orphanet 2512, MedGen C1858535, MONDO:0011435, OMIM 604317.

gnomAD v4.1: 1 of 1,614,044 alleles (0.000062%); highest among the groups gnomAD compares: Non-Finnish European, 0.000085%; no homozygotes.

Submissions (2):

GeneDx
Classification: Likely pathogenic. Last evaluated: 2025-12-29. Review status: criteria provided, single submitter. Criteria: GeneDx Variant Classification Process June 2021. Collection method: clinical testing. Allele origin: germline. Affected: yes.
Comment: Canonical splice site variant predicted to result in an in-frame loss of the adjacent exon in a gene for which loss of function is a known mechanism of disease; Not observed at significant frequency in large population cohorts (gnomAD); Has not been previously published as pathogenic or benign to our knowledge

Revvity Omics, Revvity
Classification: Pathogenic for Microcephaly 2, primary, autosomal recessive, with or without cortical malformations. Last evaluated: 2020-07-21. Review status: criteria provided, single submitter. Criteria: ACMG Guidelines, 2015. Collection method: clinical testing. Allele origin: germline.

NM_001083961.2(WDR62):c.1234-1G>A

Gene: WDR62 (WD repeat domain 62; plus strand). Cytogenetic location: 19q13.12.
Variant type: single nucleotide variant.
Coding change: c.1234-1G>A on transcript NM_001083961.2 (MANE Select); the canonical splice acceptor site of the intron before coding-DNA position 1234, G replaced by A.
Molecular consequence: splice acceptor variant.
Genome position (GRCh38, 1-based): chr19:36,081,432, G>A. VCF-style: chr19-36081432-G-A. GRCh37 (hg19) VCF-style: chr19-36572334-G-A.
Other names: c.1234-1G>A (NM_173636.5, NM_001411146.1); c.1219-1G>A (NM_001411145.1); c.883-1G>A (NM_001411147.1).
Identifiers: ClinVar variation 1187007 (VCV001187007.9), dbSNP rs2145706114, ClinGen allele CA405434986.